The following is an entry in ClinVar:

NM_002495.4(NDUFS4):c.*46G>A

Gene: NDUFS4 (NADH:ubiquinone oxidoreductase subunit S4; plus strand). Cytogenetic location: 5q11.2.
Variant type: single nucleotide variant.
Coding change: c.*46G>A on transcript NM_002495.4 (MANE Select); 46 bases downstream of the stop codon, G replaced by A.
Molecular consequence: 3 prime UTR variant. On other transcripts: non-coding transcript variant (3).
Genome position (GRCh38, 1-based): chr5:53,683,267, G>A. VCF-style: chr5-53683267-G-A. GRCh37 (hg19) VCF-style: chr5-52979097-G-A.
Other names: c.*137G>A (NM_001318051.2).
Identifiers: ClinVar variation 353892 (VCV000353892.8), dbSNP rs567, ClinGen allele CA3264378.
Genomic context (GRCh38, chr5:53,683,267, plus strand): 5'-GTATCCACAAAATAGGTTGGCACTGACTATATCTCTGCTTGACTGTGAATAAAGTCAGCT[G>A]TGCAGTATTTATAGTCCATGTATAATAAATACATCTCTTAATCTCCTAATAAATTGGACC-3'

ClinVar aggregate classification (germline): Benign. Review status: criteria provided, multiple submitters, no conflicts (2 of 4 stars). 4 submissions from 3 submitters: Benign (4). Last evaluated 2018-06-23.

Conditions:
Mitochondrial complex I deficiency, nuclear type 1. Also called: NADH-COENZYME Q REDUCTASE DEFICIENCY; MITOCHONDRIAL NADH DEHYDROGENASE COMPONENT OF COMPLEX I, DEFICIENCY OF. Identifiers: MedGen C6022305, MONDO:0100224, OMIM 252010.
Leigh syndrome (NULS). Also called: Leigh's syndrome; Leigh Syndrome (mtDNA deletion); Leigh Disease; Leigh's necrotizing encephalopathy; Leigh's disease; Subacute necrotizing encephalopathy. Identifiers: Orphanet 506, MedGen C2931891, MONDO:0009723, OMIM 256000.

Allele frequency attached by ClinVar (database versions not stated): 1000 Genomes Project 30x 0.37680; 1000 Genomes Project 0.37859; TOPMed 0.41410; ESP Exome Variant Server 0.41950; gnomAD 0.42121 and 0.42281; ExAC 0.44849; gnomAD exomes 0.45654.
gnomAD v4.1: 622,081 of 1,335,210 alleles (47%); highest among the groups gnomAD compares: Admixed American, 53%; 148,523 homozygotes.

Submissions (4):

GeneDx
Classification: Benign. Last evaluated: 2018-06-23. Review status: criteria provided, single submitter. Criteria: GeneDx Variant Classification Process June 2021. Collection method: clinical testing. Allele origin: germline. Affected: yes.

Illumina Laboratory Services, Illumina
Classification: Benign for Mitochondrial complex I deficiency, nuclear type 1. Last evaluated: 2018-01-13. Review status: criteria provided, single submitter. Criteria: ICSL Variant Classification Criteria 13 December 2019. Collection method: clinical testing. Allele origin: germline.
Comment: This variant was observed in the ICSL laboratory as part of a predisposition screen in an ostensibly healthy population. It had not been previously curated by ICSL or reported in the Human Gene Mutation Database (HGMD: prior to June 1st, 2018), and was therefore a candidate for classification through an automated scoring system. Utilizing variant allele frequency, disease prevalence and penetrance estimates, and inheritance mode, an automated score was calculated to assess if this variant is too frequent to cause the disease. Based on the score and internal cut-off values, a variant classified as benign is not then subjected to further curation. The score for this variant resulted in a classification of benign for this disease.

Illumina Laboratory Services, Illumina
Classification: Benign for Leigh syndrome. Last evaluated: 2018-01-13. Review status: criteria provided, single submitter. Criteria: ICSL Variant Classification Criteria 13 December 2019. Collection method: clinical testing. Allele origin: germline.
Comment: the same text as in the submission from Illumina Laboratory Services, Illumina above.

Breakthrough Genomics
Classification: Benign. Review status: criteria provided, single submitter. Criteria: ACMG Guidelines, 2015. Collection method: not provided. Allele origin: germline. Inheritance: Autosomal recessive inheritance. Affected: yes.